The following is an entry in ClinVar:

NM_130384.3(ATRIP):c.878C>A (p.Ala293Asp)

Genes: ATRIP (ATR interacting protein; plus strand), ATRIP-TREX1 (ATRIP-TREX1 readthrough; plus strand). Cytogenetic location: 3p21.31.
Variant type: single nucleotide variant.
Coding change: c.878C>A on transcript NM_130384.3 (MANE Select); coding-DNA position 878, C replaced by A.
Protein change: p.Ala293Asp; replaces alanine 293 with aspartic acid.
Molecular consequence: missense variant. On other transcripts: non-coding transcript variant (1).
Genome position (GRCh38, 1-based): chr3:48,459,407, C>A. VCF-style: chr3-48459407-C-A. GRCh37 (hg19) VCF-style: chr3-48500806-C-A.
Other names: c.497C>A, p.Ala166Asp (NM_001271022.2); c.599C>A, p.Ala200Asp (NM_001271023.2); c.878C>A, p.Ala293Asp (NM_032166.4); short protein forms A166D, A293D, A200D.
Identifiers: ClinVar variation 4644506 (VCV004644506.1).

ClinVar aggregate classification (germline): Uncertain significance (1 of 4 stars; one submission).

gnomAD v4.1: 1 of 1,614,016 alleles (0.000062%); highest among the groups gnomAD compares: Non-Finnish European, 0.000085%; no homozygotes.

Submission:

Ambry Genetics
Classification: Uncertain significance. Last evaluated: 2025-09-16. Review status: criteria provided, single submitter. Criteria: Ambry Variant Classification Scheme 2023. Collection method: clinical testing. Allele origin: germline.
Comment: The p.A293D variant (also known as c.878C>A), located in coding exon 6 of the ATRIP gene, results from a C to A substitution at nucleotide position 878. The alanine at codon 293 is replaced by aspartic acid, an amino acid with dissimilar properties. This amino acid position is conserved. In addition, this alteration is predicted to be tolerated by in silico analysis. Based on the available evidence, the clinical significance of this variant remains unclear.